The following is an entry in ClinVar:

NM_020533.3(MCOLN1):c.984C>T (p.Asn328=)

Gene: MCOLN1 (mucolipin TRP cation channel 1; plus strand). Cytogenetic location: 19p13.2.
Variant type: single nucleotide variant.
Coding change: c.984C>T on transcript NM_020533.3 (MANE Select); coding-DNA position 984, C replaced by T.
Protein change: p.Asn328=; no amino-acid change (asparagine 328 retained).
Molecular consequence: synonymous variant.
Genome position (GRCh38, 1-based): chr19:7,528,703, C>T. VCF-style: chr19-7528703-C-T. GRCh37 (hg19) VCF-style: chr19-7593589-C-T.
Identifiers: ClinVar variation 261324 (VCV000261324.28), dbSNP rs612862, ClinGen allele CA9138971.

ClinVar aggregate classification (germline): Benign. Review status: criteria provided, multiple submitters, no conflicts (2 of 4 stars). 9 submissions from 9 submitters: Benign (7). 2 of the submissions do not count toward it. Last evaluated 2026-02-04.

Conditions:
Mucolipidosis type IV (ML4). Also called: ML IV. Identifiers: Orphanet 578, MedGen C0238286, MONDO:0009653, OMIM 252650.

Allele frequency attached by ClinVar (database versions not stated): 1000 Genomes Project 0.25559; 1000 Genomes Project 30x 0.25781; TOPMed 0.28155; gnomAD exomes 0.28394 and 0.31091; ExAC 0.28745; gnomAD 0.28752 and 0.28776; ESP Exome Variant Server 0.30186.
gnomAD v4.1: 498,375 of 1,613,998 alleles (31%); highest among the groups gnomAD compares: Middle Eastern, 44%; 79,402 homozygotes.

Submissions (9):

Labcorp Genetics (formerly Invitae), Labcorp
Classification: Benign for Mucolipidosis type IV. Last evaluated: 2026-02-04. Review status: criteria provided, single submitter. Criteria: Invitae Variant Classification Sherloc (09022015). Collection method: clinical testing. Allele origin: germline.

Blueprint Genetics
Classification: Benign. Last evaluated: 2024-11-28. Review status: criteria provided, single submitter. Criteria: ACMG Guidelines, 2015. Collection method: clinical testing. Allele origin: germline.

Genome-Nilou Lab
Classification: Benign for Mucolipidosis type IV. Last evaluated: 2021-06-10. Review status: criteria provided, single submitter. Criteria: ACMG Guidelines, 2015. Collection method: clinical testing. Allele origin: germline. Affected: no.

Illumina Laboratory Services, Illumina
Classification: Benign for Mucolipidosis type IV. Last evaluated: 2018-01-13. Review status: criteria provided, single submitter. Criteria: ICSL Variant Classification Criteria 13 December 2019. Collection method: clinical testing. Allele origin: germline.
Comment: This variant was observed in the ICSL laboratory as part of a predisposition screen in an ostensibly healthy population. It had not been previously curated by ICSL or reported in the Human Gene Mutation Database (HGMD: prior to June 1st, 2018), and was therefore a candidate for classification through an automated scoring system. Utilizing variant allele frequency, disease prevalence and penetrance estimates, and inheritance mode, an automated score was calculated to assess if this variant is too frequent to cause the disease. Based on the score and internal cut-off values, a variant classified as benign is not then subjected to further curation. The score for this variant resulted in a classification of benign for this disease.

GeneDx
Classification: Benign. Last evaluated: 2015-03-03. Review status: criteria provided, single submitter. Criteria: GeneDx Variant Classification Process June 2021. Collection method: clinical testing. Allele origin: germline. Affected: yes.

Breakthrough Genomics
Classification: Benign. Review status: criteria provided, single submitter. Criteria: ACMG Guidelines, 2015. Collection method: not provided. Allele origin: germline. Inheritance: Autosomal recessive inheritance. Affected: yes.

PreventionGenetics, part of Exact Sciences
Classification: Benign. Review status: criteria provided, single submitter. Criteria: ACMG Guidelines, 2015. Collection method: clinical testing. Allele origin: germline.

Natera, Inc.
Classification: Benign for Mucolipidosis type IV. Last evaluated: 2017-04-25. Review status: no assertion criteria provided. Collection method: clinical testing. Allele origin: germline. Not counted in ClinVar's aggregate classification.

Mayo Clinic Laboratories, Mayo Clinic
Classification: Benign. Last evaluated: 2015-10-23. Review status: no assertion criteria provided. Collection method: clinical testing. Allele origin: unknown. Not counted in ClinVar's aggregate classification.